The following is an entry in ClinVar:

ClinVar aggregate classification (germline): Uncertain significance (1 of 4 stars; one submission).

Allele frequency attached by ClinVar (database versions not stated): gnomAD exomes below 0.00001.

Submission:

Labcorp Genetics (formerly Invitae), Labcorp
Classification: Uncertain significance. Last evaluated: 2022-07-19. Review status: criteria provided, single submitter. Criteria: Invitae Variant Classification Sherloc (09022015). Collection method: clinical testing. Allele origin: germline.
Comment: ClinVar contains an entry for this variant (Variation ID: 1044972). In summary, the available evidence is currently insufficient to determine the role of this variant in disease. Therefore, it has been classified as a Variant of Uncertain Significance. Algorithms developed to predict the effect of missense changes on protein structure and function (SIFT, PolyPhen-2, Align-GVGD) all suggest that this variant is likely to be tolerated. This missense change has been observed in individual(s) with clinical features of HK1-related conditions (Invitae). This variant is present in population databases (no rsID available, gnomAD 0.003%). This sequence change replaces alanine, which is neutral and non-polar, with threonine, which is neutral and polar, at codon 201 of the HK1 protein (p.Ala201Thr).

NM_000188.3(HK1):c.601G>A (p.Ala201Thr)

Gene: HK1 (hexokinase 1; plus strand). Cytogenetic location: 10q22.1.
Variant type: single nucleotide variant.
Coding change: c.601G>A on transcript NM_000188.3 (MANE Select); coding-DNA position 601, G replaced by A.
Protein change: p.Ala201Thr; replaces alanine 201 with threonine.
Molecular consequence: missense variant.
Genome position (GRCh38, 1-based): chr10:69,369,246, G>A. VCF-style: chr10-69369246-G-A. GRCh37 (hg19) VCF-style: chr10-71129002-G-A.
Other names: c.613G>A, p.Ala205Thr (NM_001322364.2, NM_001358263.1, NM_033497.3 and 1 more transcripts); c.706G>A, p.Ala236Thr (NM_001322365.2); c.517G>A, p.Ala173Thr (NM_001322366.1); c.505G>A, p.Ala169Thr (NM_001322367.1); c.598G>A, p.Ala200Thr (NM_033496.3); c.565G>A, p.Ala189Thr (NM_033500.2); short protein forms A236T, A169T, A173T, A200T, A201T, A205T, A189T.
Identifiers: ClinVar variation 1044972 (VCV001044972.8), dbSNP rs1323387263, ClinGen allele CA376913864.